The following is an entry in ClinVar:

ClinVar aggregate classification (germline): Uncertain significance. Review status: criteria provided, multiple submitters, no conflicts (2 of 4 stars). 3 submissions from 3 submitters: Uncertain significance (3). Last evaluated 2023-03-04.

Conditions:
Hereditary cancer-predisposing syndrome. Also called: Hereditary Cancer Syndrome; Neoplastic Syndromes, Hereditary; Hereditary neoplastic syndrome; Tumor predisposition. Identifiers: Orphanet 140162, MedGen C0027672, MeSH D009386, MONDO:0015356.
Hereditary breast ovarian cancer syndrome. Also called: Hereditary breast and ovarian cancer syndrome (HBOC); Hereditary breast and ovarian cancer syndrome; Breast and ovarian cancer; Hereditary breast and/or ovarian cancer syndrome; BRCA1- and BRCA2-Associated Hereditary Breast and Ovarian Cancer; Hereditary breast and ovarian cancer. Identifiers: Orphanet 145, MedGen C0677776, MeSH D061325, MONDO:0003582. Disease mechanism: loss of function.
Breast-ovarian cancer, familial, susceptibility to, 2 (BROVCA2). Also called: BRCA2 Hereditary Breast and Ovarian Cancer. Identifiers: Orphanet 145, MedGen C2675520, MONDO:0012933, OMIM 612555. Disease mechanism: loss of function.

Submissions (3):

All of Us Research Program, National Institutes of Health
Classification: Uncertain significance for Breast-ovarian cancer, familial, susceptibility to, 2. Last evaluated: 2023-03-04. Review status: criteria provided, single submitter. Criteria: ACMG Guidelines, 2015. Collection method: clinical testing. Allele origin: germline. Inheritance: Autosomal dominant inheritance. Observed: 1 variant allele, 1 heterozygote.
Comment: This study involves interpretation of variants in research participants for the purpose of population health screening. Participant phenotype was not available at the time of variant classification. Additional details can be found in publication PMID: 35346344, PMCID: PMC8962531

Labcorp Genetics (formerly Invitae), Labcorp
Classification: Uncertain significance for Hereditary breast ovarian cancer syndrome. Last evaluated: 2022-05-07. Review status: criteria provided, single submitter. Criteria: Invitae Variant Classification Sherloc (09022015). Collection method: clinical testing. Allele origin: germline.
Comment: ClinVar contains an entry for this variant (Variation ID: 823504). In summary, the available evidence is currently insufficient to determine the role of this variant in disease. Therefore, it has been classified as a Variant of Uncertain Significance. Advanced modeling of protein sequence and biophysical properties (such as structural, functional, and spatial information, amino acid conservation, physicochemical variation, residue mobility, and thermodynamic stability) performed at Invitae indicates that this missense variant is not expected to disrupt BRCA2 protein function. This variant has not been reported in the literature in individuals affected with BRCA2-related conditions. This variant is not present in population databases (gnomAD no frequency). This sequence change replaces proline, which is neutral and non-polar, with leucine, which is neutral and non-polar, at codon 3281 of the BRCA2 protein (p.Pro3281Leu).

Ambry Genetics
Classification: Uncertain significance for Hereditary cancer-predisposing syndrome. Last evaluated: 2019-12-09. Review status: criteria provided, single submitter. Criteria: Ambry Variant Classification Scheme 2023. Collection method: clinical testing. Allele origin: germline.
Comment: The p.P3281L variant (also known as c.9842C>T), located in coding exon 26 of the BRCA2 gene, results from a C to T substitution at nucleotide position 9842. The proline at codon 3281 is replaced by leucine, an amino acid with similar properties. This amino acid position is highly conserved in available vertebrate species. In addition, this alteration is predicted to be tolerated by in silico analysis. Since supporting evidence is limited at this time, the clinical significance of this alteration remains unclear.

NM_000059.4(BRCA2):c.9842C>T (p.Pro3281Leu)

Gene: BRCA2 (BRCA2 DNA repair associated; plus strand). Cytogenetic location: 13q13.1.
Variant type: single nucleotide variant.
Coding change: c.9842C>T on transcript NM_000059.4 (MANE Select); coding-DNA position 9842, C replaced by T.
Protein change: p.Pro3281Leu; replaces proline 3281 with leucine.
Molecular consequence: missense variant.
Genome position (GRCh38, 1-based): chr13:32,398,355, C>T. VCF-style: chr13-32398355-C-T. GRCh37 (hg19) VCF-style: chr13-32972492-C-T.
Other names: short protein forms P3281L.
Identifiers: ClinVar variation 823504 (VCV000823504.15), dbSNP rs1593201899, ClinGen allele CA387766418.